The following is an entry in ClinVar:

NM_000018.4(ACADVL):c.880G>A (p.Gly294Arg)

Gene: ACADVL (acyl-CoA dehydrogenase very long chain; plus strand). Cytogenetic location: 17p13.1.
Variant type: single nucleotide variant.
Coding change: c.880G>A on transcript NM_000018.4 (MANE Select); coding-DNA position 880, G replaced by A.
Protein change: p.Gly294Arg; replaces glycine 294 with arginine.
Molecular consequence: missense variant.
Genome position (GRCh38, 1-based): chr17:7,222,668, G>A. VCF-style: chr17-7222668-G-A. GRCh37 (hg19) VCF-style: chr17-7125987-G-A.
Other names: c.814G>A, p.Gly272Arg (NM_001033859.3); c.949G>A, p.Gly317Arg (NM_001270447.2); c.652G>A, p.Gly218Arg (NM_001270448.2); short protein forms G218R, G272R, G294R, G317R.
Identifiers: ClinVar variation 3897065 (VCV003897065.2).

ClinVar aggregate classification (germline): Likely pathogenic (1 of 4 stars; one submission).

Conditions:
Very long chain acyl-CoA dehydrogenase deficiency (ACADVLD). Also called: VLCAD Deficiency; Very Long-Chain Acyl-Coenzyme A Dehydrogenase Deficiency. Identifiers: Orphanet 26793, MedGen C3887523, MONDO:0008723, OMIM 201475.

Submission:

Kariminejad - Najmabadi Pathology & Genetics Center
Classification: Likely pathogenic for Very long chain acyl-CoA dehydrogenase deficiency. Last evaluated: 2024-03-03. Review status: criteria provided, single submitter. Criteria: ACMG Guidelines, 2015. Collection method: clinical testing. Allele origin: germline. Inheritance: Autosomal recessive inheritance. Affected: yes.
Comment: PM1,PM2,PM5(Supporting),PP3